The following is an entry in ClinVar:

ClinVar aggregate classification (germline): Uncertain significance. Review status: criteria provided, multiple submitters, no conflicts (2 of 4 stars). 2 submissions from 2 submitters: Uncertain significance (2). Last evaluated 2025-02-08.

Conditions:
Inborn genetic diseases. Identifiers: MedGen C0950123, MeSH D030342.

Allele frequency attached by ClinVar (database versions not stated): TOPMed below 0.00001; ExAC 0.00001; ESP Exome Variant Server 0.00008.
gnomAD v4.1: 20 of 1,614,156 alleles (0.0012%); highest among the groups gnomAD compares: Admixed American, 0.005%; no homozygotes.

Submissions (2):

Ambry Genetics
Classification: Uncertain significance for Inborn genetic diseases. Last evaluated: 2025-02-08. Review status: criteria provided, single submitter. Criteria: Ambry Variant Classification Scheme 2023. Collection method: clinical testing. Allele origin: germline.

Labcorp Genetics (formerly Invitae), Labcorp
Classification: Uncertain significance. Last evaluated: 2023-08-30. Review status: criteria provided, single submitter. Criteria: Invitae Variant Classification Sherloc (09022015). Collection method: clinical testing. Allele origin: germline.
Comment: This variant is present in population databases (rs373034424, gnomAD 0.002%). This sequence change replaces methionine, which is neutral and non-polar, with threonine, which is neutral and polar, at codon 422 of the RHOBTB2 protein (p.Met422Thr). This variant has not been reported in the literature in individuals affected with RHOBTB2-related conditions. ClinVar contains an entry for this variant (Variation ID: 2172226). In summary, the available evidence is currently insufficient to determine the role of this variant in disease. Therefore, it has been classified as a Variant of Uncertain Significance. Advanced modeling of protein sequence and biophysical properties (such as structural, functional, and spatial information, amino acid conservation, physicochemical variation, residue mobility, and thermodynamic stability) performed at Invitae indicates that this missense variant is not expected to disrupt RHOBTB2 protein function.

NM_015178.3(RHOBTB2):c.1199T>C (p.Met400Thr)

Gene: RHOBTB2 (Rho related BTB domain containing 2; plus strand). Cytogenetic location: 8p21.3.
Variant type: single nucleotide variant.
Coding change: c.1199T>C on transcript NM_015178.3 (MANE Select); coding-DNA position 1199, T replaced by C.
Protein change: p.Met400Thr; replaces methionine 400 with threonine.
Molecular consequence: missense variant.
Genome position (GRCh38, 1-based): chr8:23,007,444, T>C. VCF-style: chr8-23007444-T-C. GRCh37 (hg19) VCF-style: chr8-22864957-T-C.
Other names: c.1265T>C, p.Met422Thr (NM_001160036.2); c.1220T>C, p.Met407Thr (NM_001160037.2); c.1199T>C, p.Met400Thr (NM_001374791.1); c.1265T>C (NM_001160036.1); short protein forms M407T, M400T, M422T.
Identifiers: ClinVar variation 2172226 (VCV002172226.3), dbSNP rs373034424, ClinGen allele CA4672629.